The following is an entry in ClinVar:

ClinVar aggregate classification (germline): Uncertain significance (1 of 4 stars; one submission).

Submission:

Labcorp Genetics (formerly Invitae), Labcorp
Classification: Uncertain significance. Last evaluated: 2024-10-23. Review status: criteria provided, single submitter. Criteria: Invitae Variant Classification Sherloc (09022015). Collection method: clinical testing. Allele origin: germline.
Comment: This sequence change replaces glycine, which is neutral and non-polar, with aspartic acid, which is acidic and polar, at codon 523 of the SIN3A protein (p.Gly523Asp). This variant is not present in population databases (gnomAD no frequency). This variant has not been reported in the literature in individuals affected with SIN3A-related conditions. Invitae Evidence Modeling of protein sequence and biophysical properties (such as structural, functional, and spatial information, amino acid conservation, physicochemical variation, residue mobility, and thermodynamic stability) indicates that this missense variant is not expected to disrupt SIN3A protein function with a negative predictive value of 80%. In summary, the available evidence is currently insufficient to determine the role of this variant in disease. Therefore, it has been classified as a Variant of Uncertain Significance.

NM_001145358.2(SIN3A):c.1568G>A (p.Gly523Asp)

Gene: SIN3A (SIN3 transcription regulator family member A; minus strand). Cytogenetic location: 15q24.2.
Variant type: single nucleotide variant.
Coding change: c.1568G>A on transcript NM_001145358.2 (MANE Select); coding-DNA position 1568, G replaced by A.
Protein change: p.Gly523Asp; replaces glycine 523 with aspartic acid.
Molecular consequence: missense variant.
Genome position (GRCh38, 1-based): chr15:75,400,899, C>T on the plus strand (G>A on the coding strand, the complement: SIN3A is on the minus strand). VCF-style: chr15-75400899-C-T. GRCh37 (hg19) VCF-style: chr15-75693240-C-T.
Other names: c.1568G>A, p.Gly523Asp (NM_001145357.2, NM_015477.3); short protein forms G523D.
Identifiers: ClinVar variation 2709105 (VCV002709105.3), dbSNP rs2542633816, ClinGen allele CA393498902.
Genomic context (GRCh38, chr15:75,400,899, plus strand): 5'-GCAATGCCCTCTGTGGCTCGCTCCTTTGGATAAGTTTCCAGATGTACAGACTCCTTATAG[C>T]CCAGAAAGTTTTTAAACCAATTAAACAACTCAGGGAATTTCCTGAAGAATCAAACCAAAA-3'
Protein context (NP_001138830.1, residues 513-533): ELFNWFKNFL[Gly523Asp]YKESVHLETY